The following continues an entry in ClinVar:

NM_024675.4(PALB2):c.3048del (p.Phe1016fs)

Gene: PALB2. ClinVar aggregate classification (germline): Pathogenic/Likely pathogenic. Pathogenic (12); Likely pathogenic (1).

Submissions 12 to 15 of 15:

Genetic Services Laboratory, University of Chicago
Classification: Likely pathogenic. Last evaluated: 2019-11-15. Review status: criteria provided, single submitter. Criteria: ACMG Guidelines, 2015. Collection method: clinical testing. Allele origin: germline. Affected: yes.
Comment: DNA sequence analysis demonstrated the presence of a heterozygous 1 base-pair deletion in the PALB2 gene, c.3048del. This sequence change results in an amino acid frameshift and creates a premature stop codon 16 amino acids downstream of the mutation, p.Phe1016Leufs*17. This deletion is predicted to result in an abnormal transcript, which may be degraded, or may lead to the production of a truncated PALB2 protein with potentially abnormal function. This sequence change has not been described in population databases (gnomAD, ExAC). This sequence change is likely causative of susceptibility to breast cancer and pancreatic cancer, however functional studies have not been performed to prove this conclusively.

Division of Medical Genetics, University of Washington
Classification: Pathogenic for Familial cancer of breast. Last evaluated: 2019-06-17. Review status: criteria provided, single submitter. Criteria: ACMG Guidelines, 2015. Collection method: clinical testing. Allele origin: germline. Affected: no. Study: CSER_CHARM.
Comment: This variant leads to a translational frameshift and the introduction of a premature termination codon 17 residues downstream. The variant transcript is predicted to be unstable and degraded by nonsense-mediated decay. Loss of expression of one allele of PALB2 is a well-established mechanism of disease for increased breast cancer risk (Rahman 2007, Janatova 2013, Antoniou 2014). This variant has an allele frequency of 0.000004 in the Broad Institute gnomAD Browser. This variant has been reported in the literature in individuals with breast cancer (Zheng 2012, Churpek 2015, Tung 2015). Thus, this variant is interpreted as pathogenic.

Leiden Open Variation Database
Classification: Pathogenic for Familial cancer of breast. Last evaluated: 2020-02-28. Review status: no assertion criteria provided. Collection method: curation. Allele origin: germline. Affected: no. Not counted in ClinVar's aggregate classification.
Comment: Curators: Marc Tischkowitz, Arleen D. Auerbach. Submitters to LOVD: Marc Tischkowitz, Yukihide Momozawa.

Counsyl
Classification: Pathogenic for Familial cancer of breast. Last evaluated: 2016-10-11. Review status: no assertion criteria provided. Collection method: clinical testing. Allele origin: unknown. Not counted in ClinVar's aggregate classification.

Literature cited by the submitters: PubMed 17200668 (cited by Labcorp Genetics (formerly Invitae), Labcorp); PubMed 17200671 (cited by Labcorp Genetics (formerly Invitae), Labcorp); PubMed 17200672 (cited by Labcorp Genetics (formerly Invitae), Labcorp); PubMed 24136930 (cited by Labcorp Genetics (formerly Invitae), Labcorp); PubMed 25099575 (cited by Labcorp Genetics (formerly Invitae), Labcorp); PubMed 21932393 (cited by 7 submitters); PubMed 25428789 (cited by 6 submitters); PubMed 22692731 (cited by Quest Diagnostics Nichols Institute San Juan Capistrano); PubMed 25186627 (cited by 4 submitters); PubMed 29625052 (cited by Quest Diagnostics Nichols Institute San Juan Capistrano); PubMed 32339256 (cited by Quest Diagnostics Nichols Institute San Juan Capistrano); PubMed 30128536 (cited by 3 submitters); PubMed 30287823 (cited by 3 submitters); PubMed 29486991 (cited by Quest Diagnostics Nichols Institute San Juan Capistrano and Women's Health and Genetics/Laboratory Corporation of America, LabCorp); PubMed 29922827 (cited by Quest Diagnostics Nichols Institute San Juan Capistrano); PubMed 28888541 (cited by Quest Diagnostics Nichols Institute San Juan Capistrano); PubMed 27153395 (cited by 3 submitters); PubMed 26689913 (cited by Quest Diagnostics Nichols Institute San Juan Capistrano); PubMed 25897114 (cited by Counsyl).